The following is an entry in ClinVar:

NM_001267550.2(TTN):c.11856G>T (p.Gly3952=)

Gene: TTN (titin; minus strand). Cytogenetic location: 2q31.2.
Variant type: single nucleotide variant.
Coding change: c.11856G>T on transcript NM_001267550.2 (MANE Select); coding-DNA position 11856, G replaced by T.
Protein change: p.Gly3952=; no amino-acid change (glycine 3952 retained).
Molecular consequence: synonymous variant. On other transcripts: intron variant (1).
Genome position (GRCh38, 1-based): chr2:178,741,377, C>A on the plus strand (G>T on the coding strand, the complement: TTN is on the minus strand). VCF-style: chr2-178741377-C-A. GRCh37 (hg19) VCF-style: chr2-179606104-C-A.
Other names: c.10905G>T, p.Gly3635= (NM_001256850.1); c.10767G>T, p.Gly3589= (NM_003319.4); c.11142G>T, p.Gly3714= (NM_133432.3); c.11343G>T, p.Gly3781= (NM_133437.4); c.10361-3017G>T (NM_133378.4).
Identifiers: ClinVar variation 391468 (VCV000391468.3), dbSNP rs1057524094, ClinGen allele CA16603942.

ClinVar aggregate classification (germline): Likely benign. Review status: criteria provided, multiple submitters, no conflicts (2 of 4 stars). 2 submissions from 2 submitters: Likely benign (2). Last evaluated 2022-12-25.

Conditions:
Cardiovascular phenotype. Identifiers: MedGen CN230736.

Allele frequency attached by ClinVar (database versions not stated): TOPMed below 0.00001; gnomAD 0.00001; gnomAD exomes 0.00001 and 0.00002.
gnomAD v4.1: 13 of 1,613,704 alleles (0.00081%); highest among the groups gnomAD compares: Non-Finnish European, 0.0011%; no homozygotes.

Submissions (2):

Ambry Genetics
Classification: Likely benign for Cardiovascular phenotype. Last evaluated: 2022-12-25. Review status: criteria provided, single submitter. Criteria: Ambry Variant Classification Scheme 2023. Collection method: clinical testing. Allele origin: germline.

GeneDx
Classification: Likely benign. Last evaluated: 2016-11-30. Review status: criteria provided, single submitter. Criteria: GeneDx Variant Classification (06012015). Collection method: clinical testing. Allele origin: germline. Affected: yes.
Comment: This variant is considered likely benign or benign based on one or more of the following criteria: it is a conservative change, it occurs at a poorly conserved position in the protein, it is predicted to be benign by multiple in silico algorithms, and/or has population frequency not consistent with disease.